The following is an entry in ClinVar:

NM_003242.6(TGFBR2):c.454+267T>C

Gene: TGFBR2 (transforming growth factor beta receptor 2; plus strand). Cytogenetic location: 3p24.1.
Variant type: single nucleotide variant.
Coding change: c.454+267T>C on transcript NM_003242.6 (MANE Select); 267 bases into the intron after coding-DNA position 454, T replaced by C.
Molecular consequence: intron variant.
Genome position (GRCh38, 1-based): chr3:30,650,727, T>C. VCF-style: chr3-30650727-T-C. GRCh37 (hg19) VCF-style: chr3-30692219-T-C.
Other names: c.349+267T>C (NM_001407129.1, NM_001407132.1, NM_001407136.1 and 3 more transcripts); c.529+267T>C (NM_001407126.1, NM_001024847.3, NM_001407139.1); c.170-20911T>C (NM_001407137.1); c.454+267T>C (NM_001407127.1, NM_001407130.1); c.95-20911T>C (NM_001407138.1); c.481+267T>C (NM_001407128.1).
Identifiers: ClinVar variation 684002 (VCV000684002.2), dbSNP rs2029314, ClinGen allele CA16139064.

ClinVar aggregate classification (germline): Benign (1 of 4 stars; one submission).

Allele frequency attached by ClinVar (database versions not stated): gnomAD 0.90229 and 0.90393; TOPMed 0.90840; 1000 Genomes Project 30x 0.94269; 1000 Genomes Project 0.94369.
gnomAD v4.1: 137,494 of 152,200 alleles (90%); highest among the groups gnomAD compares: East Asian, 100%; 62,249 homozygotes.

Submission:

GeneDx
Classification: Benign. Last evaluated: 2018-06-18. Review status: criteria provided, single submitter. Criteria: GeneDx Variant Classification (06012015). Collection method: clinical testing. Allele origin: germline. Affected: yes.
Comment: This variant is considered likely benign or benign based on one or more of the following criteria: it is a conservative change, it occurs at a poorly conserved position in the protein, it is predicted to be benign by multiple in silico algorithms, and/or has population frequency not consistent with disease.